The following is an entry in ClinVar:

ClinVar aggregate classification (germline): Uncertain significance (1 of 4 stars; one submission).

Conditions:
Bone fragility with contractures, arterial rupture, and deafness. Also called: BCARD SYNDROME; BONE ABNORMALITIES, CATARACT, ARTERIAL RUPTURE, AND DEAFNESS; LH3 DEFICIENCY; LYSYL HYDROXYLASE 3 DEFICIENCY. Identifiers: Orphanet 300284, MedGen C2676285, MONDO:0012892, OMIM 612394.

Submission:

Baylor Genetics
Classification: Uncertain significance for Bone fragility with contractures, arterial rupture, and deafness. Last evaluated: 2018-05-24. Review status: criteria provided, single submitter. Criteria: ACMG Guidelines, 2015. Collection method: clinical testing. Allele origin: maternal. Affected: yes.
Comment: This variant was determined to be of uncertain significance according to ACMG Guidelines, 2015 [PMID:25741868].

NM_001084.5(PLOD3):c.700G>A (p.Asp234Asn)

Gene: PLOD3 (procollagen-lysine,2-oxoglutarate 5-dioxygenase 3; minus strand). Cytogenetic location: 7q22.1.
Variant type: single nucleotide variant.
Coding change: c.700G>A on transcript NM_001084.5 (MANE Select); coding-DNA position 700, G replaced by A.
Protein change: p.Asp234Asn; replaces aspartic acid 234 with asparagine.
Molecular consequence: missense variant.
Genome position (GRCh38, 1-based): chr7:101,213,184, C>T on the plus strand (G>A on the coding strand, the complement: PLOD3 is on the minus strand). VCF-style: chr7-101213184-C-T. GRCh37 (hg19) VCF-style: chr7-100856465-C-T.
Other names: short protein forms D234N.
Identifiers: ClinVar variation 1033684 (VCV001033684.1), dbSNP rs1798215298, ClinGen allele CA368621741.